The following is an entry in ClinVar:

NM_145886.4(PIDD1):c.1019G>A (p.Gly340Asp)

Gene: PIDD1 (p53-induced death domain protein 1; minus strand). Cytogenetic location: 11p15.5.
Variant type: single nucleotide variant.
Coding change: c.1019G>A on transcript NM_145886.4 (MANE Select); coding-DNA position 1019, G replaced by A.
Protein change: p.Gly340Asp; replaces glycine 340 with aspartic acid.
Molecular consequence: missense variant.
Genome position (GRCh38, 1-based): chr11:802,352, C>T on the plus strand (G>A on the coding strand, the complement: PIDD1 is on the minus strand). VCF-style: chr11-802352-C-T. GRCh37 (hg19) VCF-style: chr11-802352-C-T.
Other names: c.1019G>A, p.Gly340Asp (NM_145887.4); c.1019G>A (NM_145886.3); short protein forms G340D.
Identifiers: ClinVar variation 3377544 (VCV003377544.2).

ClinVar aggregate classification (germline): Uncertain significance. Review status: criteria provided, multiple submitters, no conflicts (2 of 4 stars). 2 submissions from 2 submitters: Uncertain significance (2). Last evaluated 2025-03-27.

Conditions:
Inborn genetic diseases. Identifiers: MedGen C0950123, MeSH D030342.
Intellectual developmental disorder, autosomal recessive 75, with neuropsychiatric features and variant lissencephaly (MRT75). Identifiers: MedGen C5676961, MONDO:0030785, OMIM 619827.

gnomAD v4.1: 13 of 1,611,866 alleles (0.00081%); highest among the groups gnomAD compares: South Asian, 0.0099%; no homozygotes.

Submissions (2):

Ambry Genetics
Classification: Uncertain significance for Inborn genetic diseases. Last evaluated: 2025-03-27. Review status: criteria provided, single submitter. Criteria: Ambry Variant Classification Scheme 2023. Collection method: clinical testing. Allele origin: germline.

Neuberg Centre For Genomic Medicine, NCGM
Classification: Uncertain significance for Intellectual developmental disorder, autosomal recessive 75, with neuropsychiatric features and variant lissencephaly. Last evaluated: 2023-06-22. Review status: criteria provided, single submitter. Criteria: ACMG Guidelines, 2015. Collection method: clinical testing. Allele origin: germline. Inheritance: Autosomal recessive inheritance. Affected: yes.
Comment: The observed missense c.1019G>A(p.Gly340Asp) variant in PIDD1 gene has not been reported previously as a pathogenic variant nor as a benign variant, to our knowledge. The p.Gly340Asp variant is present with allele frequency of 0.002% in gnomAD Exomes. This variant has not been submitted to the ClinVar database. Multiple lines of computational evidence (Polyphen - Probably Damaging, SIFT - Damaging and MutationTaster - Disease causing) predict a damaging effect on protein structure and function for this variant. The reference amino acid of p.Gly340Asp in PIDD1 is predicted as conserved by GERP++ and PhyloP across 100 vertebrates. The amino acid Gly at position 340 is changed to a Asp changing protein sequence and it might alter its composition and physico-chemical properties. For these reasons, this variant has been classified as a Variant of Uncertain Significance (VUS).